The following is an entry in ClinVar:

ClinVar aggregate classification (germline): Uncertain significance (1 of 4 stars; one submission).

Allele frequency attached by ClinVar (database versions not stated): ExAC 0.00008.
gnomAD v4.1: 24 of 1,584,236 alleles (0.0015%); highest among the groups gnomAD compares: African/African-American, 0.017%; no homozygotes.

Submission:

Labcorp Genetics (formerly Invitae), Labcorp
Classification: Uncertain significance. Last evaluated: 2024-10-13. Review status: criteria provided, single submitter. Criteria: Invitae Variant Classification Sherloc (09022015). Collection method: clinical testing. Allele origin: germline.
Comment: This sequence change replaces alanine, which is neutral and non-polar, with threonine, which is neutral and polar, at codon 526 of the ACAN protein (p.Ala526Thr). This variant is present in population databases (rs771465769, gnomAD 0.02%). This variant has not been reported in the literature in individuals affected with ACAN-related conditions. Invitae Evidence Modeling of protein sequence and biophysical properties (such as structural, functional, and spatial information, amino acid conservation, physicochemical variation, residue mobility, and thermodynamic stability) indicates that this missense variant is not expected to disrupt ACAN protein function with a negative predictive value of 80%. In summary, the available evidence is currently insufficient to determine the role of this variant in disease. Therefore, it has been classified as a Variant of Uncertain Significance.

NM_001369268.1(ACAN):c.1576G>A (p.Ala526Thr)

Gene: ACAN (aggrecan; plus strand). Cytogenetic location: 15q26.1.
Variant type: single nucleotide variant.
Coding change: c.1576G>A on transcript NM_001369268.1 (MANE Select); coding-DNA position 1576, G replaced by A.
Protein change: p.Ala526Thr; replaces alanine 526 with threonine.
Molecular consequence: missense variant.
Genome position (GRCh38, 1-based): chr15:88,847,389, G>A. VCF-style: chr15-88847389-G-A. GRCh37 (hg19) VCF-style: chr15-89390620-G-A.
Other names: c.1576G>A, p.Ala526Thr (NM_001135.4, NM_001411096.1, NM_001411097.1 and 1 more transcripts); short protein forms A526T.
Identifiers: ClinVar variation 2855597 (VCV002855597.3), dbSNP rs771465769, ClinGen allele CA7719594.
Genomic context (GRCh38, chr15:88,847,389, plus strand): 5'-GTCATTGCCTCGCCGGAGCAGCTCCAGGCCGCCTACGAAGCAGGCTATGAGCAGTGTGAC[G>A]CCGGCTGGCTGCGGGACCAGACCGTCAGGTGAAGCCATGCTCCTCGCCCAGCCCAAACCC-3'
Protein context (NP_001356197.1, residues 516-536): AYEAGYEQCD[Ala526Thr]GWLRDQTVRY